The following is an entry in ClinVar:

NM_024339.5(THOC6):c.363-2A>C

Gene: THOC6 (THO complex subunit 6; plus strand). Cytogenetic location: 16p13.3.
Variant type: single nucleotide variant.
Coding change: c.363-2A>C on transcript NM_024339.5 (MANE Select); the canonical splice acceptor site of the intron before coding-DNA position 363, A replaced by C.
Molecular consequence: splice acceptor variant.
Genome position (GRCh38, 1-based): chr16:3,026,363, A>C. VCF-style: chr16-3026363-A-C. GRCh37 (hg19) VCF-style: chr16-3076364-A-C.
Other names: c.363-2A>C (NM_001142350.3, NM_001347704.2); c.291-2A>C (NM_001347703.2).
Identifiers: ClinVar variation 3765708 (VCV003765708.1).
Genomic context (GRCh38, chr16:3,026,363, plus strand): 5'-GTGGATAGAGGGTGCATCAGGGTGAAGCCACTTCCTCACTGACCTTGCCTTTCCTTCCCC[A>C]GGACCAGCCTGGAAGTGCCTGAGATCAACGCTTTGCTGCTGGTCCCCAAGGTCTGAGCCC-3'

ClinVar aggregate classification (germline): Likely pathogenic (1 of 4 stars; one submission).

Conditions:
THOC6-related developmental delay-microcephaly-facial dysmorphism syndrome. Also called: Beaulieu-Boycott-Innes syndrome; THOC6 Intellectual Disability Syndrome; Microcephaly, mental retardation, and distinctive facies, with cardiac and genitourinary malformations. Identifiers: Orphanet 363444, MedGen C3150939, MONDO:0013362, OMIM 613680.

Submission:

Greenwood Genetic Center Diagnostic Laboratories, Greenwood Genetic Center
Classification: Likely pathogenic for THOC6-related developmental delay-microcephaly-facial dysmorphism syndrome. Last evaluated: 2024-10-15. Review status: criteria provided, single submitter. Criteria: ACMG Guidelines, 2015. Collection method: clinical testing. Allele origin: germline. Affected: yes.
Comment: PVS1, PM2